The following is an entry in ClinVar:

NM_001040108.2(MLH3):c.2852G>T (p.Ser951Ile)

Gene: MLH3 (mutL homolog 3; minus strand). Cytogenetic location: 14q24.3.
Variant type: single nucleotide variant.
Coding change: c.2852G>T on transcript NM_001040108.2 (MANE Select); coding-DNA position 2852, G replaced by T.
Protein change: p.Ser951Ile; replaces serine 951 with isoleucine.
Molecular consequence: missense variant.
Genome position (GRCh38, 1-based): chr14:75,046,804, C>A on the plus strand (G>T on the coding strand, the complement: MLH3 is on the minus strand). VCF-style: chr14-75046804-C-A. GRCh37 (hg19) VCF-style: chr14-75513507-C-A.
Other names: c.2852G>T, p.Ser951Ile (NM_014381.3); short protein forms S951I.
Identifiers: ClinVar variation 1796855 (VCV001796855.2), dbSNP rs2503259329, ClinGen allele CA390438064.

ClinVar aggregate classification (germline): Uncertain significance (1 of 4 stars; one submission).

Submission:

Ambry Genetics
Classification: Uncertain significance. Last evaluated: 2022-09-19. Review status: criteria provided, single submitter. Criteria: Ambry Variant Classification Scheme 2023. Collection method: clinical testing. Allele origin: germline.
Comment: The p.S951I variant (also known as c.2852G>T), located in coding exon 1 of the MLH3 gene, results from a G to T substitution at nucleotide position 2852. The serine at codon 951 is replaced by isoleucine, an amino acid with dissimilar properties. This amino acid position is conserved. In addition, this alteration is predicted to be tolerated by in silico analysis. Since supporting evidence is limited at this time, the clinical significance of this alteration remains unclear.